The following is an entry in ClinVar:

NM_000256.3(MYBPC3):c.3677G>A (p.Arg1226His)

Gene: MYBPC3 (myosin binding protein C3; minus strand). Cytogenetic location: 11p11.2.
Variant type: single nucleotide variant.
Coding change: c.3677G>A on transcript NM_000256.3 (MANE Select); coding-DNA position 3677, G replaced by A.
Protein change: p.Arg1226His; replaces arginine 1226 with histidine.
Molecular consequence: missense variant.
Genome position (GRCh38, 1-based): chr11:47,332,209, C>T on the plus strand (G>A on the coding strand, the complement: MYBPC3 is on the minus strand). VCF-style: chr11-47332209-C-T. GRCh37 (hg19) VCF-style: chr11-47353760-C-T.
Other names: short protein forms R1226H.
Identifiers: ClinVar variation 847209 (VCV000847209.15), dbSNP rs397516034, ClinGen allele CA221681842.

ClinVar aggregate classification (germline): Uncertain significance. Review status: criteria provided, multiple submitters, no conflicts (2 of 4 stars). 6 submissions from 6 submitters: Uncertain significance (6). Last evaluated 2025-06-25.

Conditions:
Cardiovascular phenotype. Identifiers: MedGen CN230736.
Hypertrophic cardiomyopathy. Also called: HYPERTROPHIC MYOCARDIOPATHY. Identifiers: Orphanet 217569, MedGen C0007194, MeSH D002312, MONDO:0005045, HP:0001639.
Cardiomyopathy (CMYO). Also called: Cardiomyopathies. Identifiers: Orphanet 167848, MedGen C0878544, MONDO:0004994, HP:0001638. Inheritance: Various modes of inheritance.

Allele frequency attached by ClinVar (database versions not stated): TOPMed below 0.00001; gnomAD 0.00001; gnomAD exomes 0.00001.
gnomAD v4.1: 12 of 1,613,734 alleles (0.00074%); highest among the groups gnomAD compares: South Asian, 0.0033%; no homozygotes.

Submissions (6):

Color Diagnostics, LLC DBA Color Health
Classification: Uncertain significance for Cardiomyopathy. Last evaluated: 2025-06-25. Review status: criteria provided, single submitter. Criteria: ACMG Guidelines, 2015. Collection method: clinical testing. Allele origin: germline.
Comment: This missense variant replaces arginine with histidine at codon 1226 of the MYBPC3 protein. Computational prediction suggests that this variant may not impact protein structure and function. To our knowledge, functional studies have not been reported for this variant. This variant has been reported in an individual affected with hypertrophic cardiomyopathy (PMID: 37652022). This variant has not been identified in the general population by the Genome Aggregation Database (gnomAD). The available evidence is insufficient to determine the role of this variant in disease conclusively. Therefore, this variant is classified as a Variant of Uncertain Significance.

Ambry Genetics
Classification: Uncertain significance for Cardiovascular phenotype. Last evaluated: 2024-12-27. Review status: criteria provided, single submitter. Criteria: Ambry Variant Classification Scheme 2023. Collection method: clinical testing. Allele origin: germline.
Comment: The p.R1226H variant (also known as c.3677G>A), located in coding exon 33 of the MYBPC3 gene, results from a G to A substitution at nucleotide position 3677. The arginine at codon 1226 is replaced by histidine, an amino acid with highly similar properties. This variant has been reported in association with hypertrophic cardiomyopathy (HCM) (McGurk KA et al. Am J Hum Genet, 2023 Sep;110:1482-1495). This amino acid position is conserved. In addition, this alteration is predicted to be tolerated by in silico analysis. Based on the available evidence, the clinical significance of this variant remains unclear.

Labcorp Genetics (formerly Invitae), Labcorp
Classification: Uncertain significance for Hypertrophic cardiomyopathy. Last evaluated: 2024-12-09. Review status: criteria provided, single submitter. Criteria: Invitae Variant Classification Sherloc (09022015). Collection method: clinical testing. Allele origin: germline.
Comment: This sequence change replaces arginine, which is basic and polar, with histidine, which is basic and polar, at codon 1226 of the MYBPC3 protein (p.Arg1226His). This variant is not present in population databases (gnomAD no frequency). This missense change has been observed in individual(s) with MYBPC3-related conditions (PMID: 37652022, 37937776). ClinVar contains an entry for this variant (Variation ID: 847209). An algorithm developed to predict the effect of missense changes on protein structure and function (PolyPhen-2) suggests that this variant is likely to be disruptive. In summary, the available evidence is currently insufficient to determine the role of this variant in disease. Therefore, it has been classified as a Variant of Uncertain Significance.

All of Us Research Program, National Institutes of Health
Classification: Uncertain significance for Hypertrophic cardiomyopathy. Last evaluated: 2023-12-01. Review status: criteria provided, single submitter. Criteria: ACMG Guidelines, 2015. Collection method: clinical testing. Allele origin: germline. Inheritance: Autosomal dominant inheritance. Observed: 2 variant alleles, 2 heterozygotes.
Comment: This study involves interpretation of variants in research participants for the purpose of population health screening. Participant phenotype was not available at the time of variant classification. Additional details can be found in publication PMID: 35346344, PMCID: PMC8962531

Blueprint Genetics
Classification: Uncertain significance. Last evaluated: 2020-12-17. Review status: criteria provided, single submitter. Criteria: ACMG Guidelines, 2015. Collection method: clinical testing. Allele origin: germline.

GeneDx
Classification: Uncertain significance. Last evaluated: 2020-03-27. Review status: criteria provided, single submitter. Criteria: GeneDx Variant Classification Process June 2021. Collection method: clinical testing. Allele origin: germline. Affected: yes.
Comment: Not observed in large population cohorts (Lek et al., 2016); In silico analysis supports that this missense variant has a deleterious effect on protein structure/function

Literature cited by the submitters: PubMed 37652022 (cited by 3 submitters); PubMed 37937776 (cited by Labcorp Genetics (formerly Invitae), Labcorp).